The following is an entry in ClinVar:

NM_198578.4(LRRK2):c.2530A>G (p.Ile844Val)

Gene: LRRK2 (leucine rich repeat kinase 2; plus strand). Cytogenetic location: 12q12.
Variant type: single nucleotide variant.
Coding change: c.2530A>G on transcript NM_198578.4 (MANE Select); coding-DNA position 2530, A replaced by G.
Protein change: p.Ile844Val; replaces isoleucine 844 with valine.
Molecular consequence: missense variant.
Genome position (GRCh38, 1-based): chr12:40,287,380, A>G. VCF-style: chr12-40287380-A-G. GRCh37 (hg19) VCF-style: chr12-40681182-A-G.
Other names: short protein forms I844V.
Identifiers: ClinVar variation 1792692 (VCV001792692.3), dbSNP rs2499679053, ClinGen allele CA384408623.

ClinVar aggregate classification (germline): Uncertain significance (1 of 4 stars; one submission).

Conditions:
Inborn genetic diseases. Identifiers: MedGen C0950123, MeSH D030342.

gnomAD v4.1: 2 of 1,612,470 alleles (0.00012%); highest among the groups gnomAD compares: Non-Finnish European, 0.00017%; no homozygotes.

Submission:

Ambry Genetics
Classification: Uncertain significance for Inborn genetic diseases. Last evaluated: 2024-07-26. Review status: criteria provided, single submitter. Criteria: Ambry Variant Classification Scheme 2023. Collection method: clinical testing. Allele origin: germline.
Comment: The p.I844V variant (also known as c.2530A>G), located in coding exon 20 of the LRRK2 gene, results from an A to G substitution at nucleotide position 2530. The isoleucine at codon 844 is replaced by valine, an amino acid with highly similar properties. This amino acid position is conserved. In addition, this alteration is predicted to be tolerated by in silico analysis. Since supporting evidence is limited at this time, the clinical significance of this alteration remains unclear.